The following is an entry in ClinVar:

NM_020458.4(TTC7A):c.2250G>T (p.Met750Ile)

Gene: TTC7A (tetratricopeptide repeat domain 7A; plus strand). Cytogenetic location: 2p21.
Variant type: single nucleotide variant.
Coding change: c.2250G>T on transcript NM_020458.4 (MANE Select); coding-DNA position 2250, G replaced by T.
Protein change: p.Met750Ile; replaces methionine 750 with isoleucine.
Molecular consequence: missense variant.
Genome position (GRCh38, 1-based): chr2:47,060,866, G>T. VCF-style: chr2-47060866-G-T. GRCh37 (hg19) VCF-style: chr2-47288005-G-T.
Other names: c.2322G>T, p.Met774Ile (NM_001288951.2); c.2148G>T, p.Met716Ile (NM_001288953.2); c.1188G>T, p.Met396Ile (NM_001288955.2); short protein forms M774I, M750I, M396I, M716I.
Identifiers: ClinVar variation 2150560 (VCV002150560.2), dbSNP rs769754431, ClinGen allele CA1648075.
Genomic context (GRCh38, chr2:47,060,866, plus strand): 5'-AGGTTTCTGCATCCAGGAGGCGGCGGGCCTCTTCCCCACTTCTCACTCAGTACTCTATAT[G>T]CGGGGCCGGCTGGCTGAGGTGAAGGGCAACCTGGAGGAGGCCAAGCAGCTGTACAAGGAG-3'
Protein context (NP_065191.2, residues 740-760): LFPTSHSVLY[Met750Ile]RGRLAEVKGN

ClinVar aggregate classification (germline): Uncertain significance. Review status: criteria provided, multiple submitters, no conflicts (2 of 4 stars). 2 submissions from 2 submitters: Uncertain significance (2). Last evaluated 2023-12-05.

Conditions:
Multiple gastrointestinal atresias. Also called: Multiple intestinal atresia; FAMILIAL INTESTINAL POLYATRESIA SYNDROME. Identifiers: Orphanet 2300, MedGen C0220744, MONDO:0009465.

Allele frequency attached by ClinVar (database versions not stated): gnomAD 0.00001; TOPMed 0.00002; gnomAD exomes 0.00004; ExAC 0.00015.
gnomAD v4.1: 56 of 1,614,072 alleles (0.0035%); highest among the groups gnomAD compares: Non-Finnish European, 0.0042%; no homozygotes.

Submissions (2):

Blueprint Genetics
Classification: Uncertain significance. Last evaluated: 2023-12-05. Review status: criteria provided, single submitter. Criteria: ACMG Guidelines, 2015. Collection method: clinical testing. Allele origin: germline.

Labcorp Genetics (formerly Invitae), Labcorp
Classification: Uncertain significance for Multiple gastrointestinal atresias. Last evaluated: 2022-02-20. Review status: criteria provided, single submitter. Criteria: Invitae Variant Classification Sherloc (09022015). Collection method: clinical testing. Allele origin: germline.
Comment: This sequence change replaces methionine, which is neutral and non-polar, with isoleucine, which is neutral and non-polar, at codon 750 of the TTC7A protein (p.Met750Ile). This variant is present in population databases (rs769754431, gnomAD 0.02%). This variant has not been reported in the literature in individuals affected with TTC7A-related conditions. Algorithms developed to predict the effect of missense changes on protein structure and function (SIFT, PolyPhen-2, Align-GVGD) all suggest that this variant is likely to be tolerated. In summary, the available evidence is currently insufficient to determine the role of this variant in disease. Therefore, it has been classified as a Variant of Uncertain Significance.